The following is an entry in ClinVar:

ClinVar aggregate classification (germline): Conflicting classifications of pathogenicity. Review status: criteria provided, conflicting classifications (1 of 4 stars). 4 submissions from 4 submitters: Uncertain significance (3); Likely benign (1). Last evaluated 2026-03-30.

Conditions:
Polycystic kidney disease, adult type (PKD1). Also called: Polycystic Kidney Disease 1, Autosomal Dominant; Polycystic kidney disease 1; Polycystic kidney disease 1, severe; POLYCYSTIC KIDNEY DISEASE, ADULT, TYPE I; Polycystic Kidney, Autosomal Dominant; POLYCYSTIC KIDNEY DISEASE 1 WITH OR WITHOUT POLYCYSTIC LIVER DISEASE. Identifiers: MedGen C3149841, MONDO:0008263, OMIM 173900.
PKD1-related disorder. Also called: PKD1-related condition.
Inborn genetic diseases. Identifiers: MedGen C0950123, MeSH D030342.

Allele frequency attached by ClinVar (database versions not stated): gnomAD 0.00002; TOPMed 0.00002; gnomAD exomes 0.00003.
gnomAD v4.1: 48 of 1,479,642 alleles (0.0032%); highest among the groups gnomAD compares: Non-Finnish European, 0.0042%; no homozygotes.

Submissions (4):

PreventionGenetics, part of Exact Sciences
Classification: Uncertain significance for PKD1-related condition. Last evaluated: 2026-03-30. Review status: criteria provided, single submitter. Criteria: ACMG Guidelines, 2015. Collection method: clinical testing. Allele origin: germline.
Comment: The PKD1 c.503G>C variant is predicted to result in the amino acid substitution p.Gly168Ala. To our knowledge, this variant has not been reported in the literature. This variant is reported in 0.0031% of alleles in individuals of European (Non-Finnish) descent in gnomAD. The p.Gly168 residue is weakly conserved. The REVEL (rare exome variant ensemble learner) program predicts this variant is benign at a "strong" level (Ioannidis et al. 2016. PubMed ID: 27666373; Bergquist et al. 2024. PubMed ID: 39345488). Of note, this variant has been found in two individuals with polycystic kidney disease (PKD) at PreventionGenetics (internal data) but both individuals have a same likely pathogenic missense variant in this gene additionally. Although we suspect that this variant may be benign, at this time, the clinical significance of this variant is uncertain due to the absence of conclusive functional and genetic evidence.

Women's Health and Genetics/Laboratory Corporation of America, LabCorp
Classification: Uncertain significance. Last evaluated: 2026-03-09. Review status: criteria provided, single submitter. Criteria: LabCorp Variant Classification Summary - May 2015. Collection method: clinical testing. Allele origin: germline.
Comment: Variant summary: PKD1 c.503G>C (p.Gly168Ala) results in a non-conservative amino acid change in the encoded protein sequence. Algorithms developed to predict the effect of missense changes on protein structure and function are either unavailable or do not agree on the potential impact of this missense change. The variant allele was found at a frequency of 1.2e-05 in 82296 control chromosomes. The available data on variant occurrences in the general population are insufficient to allow any conclusion about variant significance. To our knowledge, no occurrence of c.503G>C in individuals affected with PKD1-related conditions and no experimental evidence demonstrating its impact on protein function have been reported. ClinVar contains an entry for this variant (Variation ID: 3213483). Based on the evidence outlined above, the variant was classified as uncertain significance.

Department of Pathology and Laboratory Medicine, Sinai Health System
Classification: Uncertain significance for Polycystic kidney disease, adult type. Last evaluated: 2024-02-05. Review status: criteria provided, single submitter. Criteria: ACMG Guidelines, 2015. Collection method: clinical testing. Allele origin: germline. Affected: yes.

Ambry Genetics
Classification: Likely benign for Inborn genetic diseases. Last evaluated: 2023-12-18. Review status: criteria provided, single submitter. Criteria: Ambry Variant Classification Scheme 2023. Collection method: clinical testing. Allele origin: germline.

NM_001009944.3(PKD1):c.503G>C (p.Gly168Ala)

Gene: PKD1 (polycystin 1, transient receptor potential channel interacting; minus strand). Cytogenetic location: 16p13.3.
Variant type: single nucleotide variant.
Coding change: c.503G>C on transcript NM_001009944.3 (MANE Select); coding-DNA position 503, G replaced by C.
Protein change: p.Gly168Ala; replaces glycine 168 with alanine.
Molecular consequence: missense variant.
Genome position (GRCh38, 1-based): chr16:2,118,702, C>G on the plus strand (G>C on the coding strand, the complement: PKD1 is on the minus strand). VCF-style: chr16-2118702-C-G. GRCh37 (hg19) VCF-style: chr16-2168703-C-G.
Other names: c.503G>C, p.Gly168Ala (NM_000296.4); short protein forms G168A.
Identifiers: ClinVar variation 3213483 (VCV003213483.5), dbSNP rs892397726, ClinGen allele CA276784134.